The following is an entry in ClinVar:

ClinVar aggregate classification (germline): Uncertain significance. Review status: criteria provided, multiple submitters, no conflicts (2 of 4 stars). 4 submissions from 4 submitters: Uncertain significance (4). Last evaluated 2026-04-15.

Conditions:
MARVELD2-related disorder. Also called: MARVELD2-related condition.
Inborn genetic diseases. Identifiers: MedGen C0950123, MeSH D030342.

Allele frequency attached by ClinVar (database versions not stated): gnomAD exomes below 0.00001 and 0.00002; ExAC 0.00003; gnomAD 0.00007; TOPMed 0.00007; 1000 Genomes Project 30x 0.00016; 1000 Genomes Project 0.00020.

Submissions (4):

PreventionGenetics, part of Exact Sciences
Classification: Uncertain significance for MARVELD2-related condition. Last evaluated: 2026-04-15. Review status: criteria provided, single submitter. Criteria: ACMG Guidelines, 2015. Collection method: clinical testing. Allele origin: germline.
Comment: The MARVELD2 c.292G>A variant is predicted to result in the amino acid substitution p.Glu98Lys. To our knowledge, this variant has not been reported in the literature. This variant is reported in 0.028% of alleles in individuals of African descent in gnomAD. At this time, the clinical significance of this variant is uncertain due to the absence of conclusive functional and genetic evidence.

Ambry Genetics
Classification: Uncertain significance for Inborn genetic diseases. Last evaluated: 2025-11-08. Review status: criteria provided, single submitter. Criteria: Ambry Variant Classification Scheme 2023. Collection method: clinical testing. Allele origin: germline.

Labcorp Genetics (formerly Invitae), Labcorp
Classification: Uncertain significance. Last evaluated: 2024-08-13. Review status: criteria provided, single submitter. Criteria: Invitae Variant Classification Sherloc (09022015). Collection method: clinical testing. Allele origin: germline.
Comment: This sequence change replaces glutamic acid, which is acidic and polar, with lysine, which is basic and polar, at codon 98 of the MARVELD2 protein (p.Glu98Lys). This variant is present in population databases (rs200164744, gnomAD 0.03%). This variant has not been reported in the literature in individuals affected with MARVELD2-related conditions. ClinVar contains an entry for this variant (Variation ID: 1497686). Advanced modeling of protein sequence and biophysical properties (such as structural, functional, and spatial information, amino acid conservation, physicochemical variation, residue mobility, and thermodynamic stability) performed at Invitae indicates that this missense variant is not expected to disrupt MARVELD2 protein function with a negative predictive value of 80%. In summary, the available evidence is currently insufficient to determine the role of this variant in disease. Therefore, it has been classified as a Variant of Uncertain Significance.

GeneDx
Classification: Uncertain significance. Last evaluated: 2024-07-26. Review status: criteria provided, single submitter. Criteria: GeneDx Variant Classification Process June 2021. Collection method: clinical testing. Allele origin: germline. Affected: yes.
Comment: In silico analysis indicates that this missense variant does not alter protein structure/function; Has not been previously published as pathogenic or benign to our knowledge

NM_001038603.3(MARVELD2):c.292G>A (p.Glu98Lys)

Gene: MARVELD2 (MARVEL domain containing 2; plus strand). Cytogenetic location: 5q13.2.
Variant type: single nucleotide variant.
Coding change: c.292G>A on transcript NM_001038603.3 (MANE Select); coding-DNA position 292, G replaced by A.
Protein change: p.Glu98Lys; replaces glutamic acid 98 with lysine.
Molecular consequence: missense variant.
Genome position (GRCh38, 1-based): chr5:69,419,677, G>A. VCF-style: chr5-69419677-G-A. GRCh37 (hg19) VCF-style: chr5-68715504-G-A.
Other names: c.292G>A (NM_001038603.2); c.292G>A, p.Glu98Lys (NM_001244734.2); short protein forms E98K.
Identifiers: ClinVar variation 1497686 (VCV001497686.9), dbSNP rs200164744, ClinGen allele CA3294012.